The following is an entry in ClinVar:

ClinVar aggregate classification (germline): Uncertain significance. Review status: criteria provided, multiple submitters, no conflicts (2 of 4 stars). 2 submissions from 2 submitters: Uncertain significance (2). Last evaluated 2025-06-24.

Conditions:
Inborn genetic diseases. Identifiers: MedGen C0950123, MeSH D030342.

Allele frequency attached by ClinVar (database versions not stated): gnomAD 0.00001; gnomAD exomes 0.00001.

Submissions (2):

Ambry Genetics
Classification: Uncertain significance for Inborn genetic diseases. Last evaluated: 2025-06-24. Review status: criteria provided, single submitter. Criteria: Ambry Variant Classification Scheme 2023. Collection method: clinical testing. Allele origin: germline.

Labcorp Genetics (formerly Invitae), Labcorp
Classification: Uncertain significance. Last evaluated: 2021-12-24. Review status: criteria provided, single submitter. Criteria: Invitae Variant Classification Sherloc (09022015). Collection method: clinical testing. Allele origin: germline.
Comment: In summary, the available evidence is currently insufficient to determine the role of this variant in disease. Therefore, it has been classified as a Variant of Uncertain Significance. Algorithms developed to predict the effect of missense changes on protein structure and function are either unavailable or do not agree on the potential impact of this missense change (SIFT: "Tolerated"; PolyPhen-2: "Probably Damaging"; Align-GVGD: "Class C0"). This variant has not been reported in the literature in individuals affected with TBXAS1-related conditions. This variant is present in population databases (no rsID available, gnomAD 0.002%). This sequence change replaces threonine, which is neutral and polar, with proline, which is neutral and non-polar, at codon 198 of the TBXAS1 protein (p.Thr198Pro).

NM_001061.7(TBXAS1):c.589A>C (p.Thr197Pro)

Gene: TBXAS1 (thromboxane A synthase 1; plus strand). Cytogenetic location: 7q34.
Variant type: single nucleotide variant.
Coding change: c.589A>C on transcript NM_001061.7 (MANE Select); coding-DNA position 589, A replaced by C.
Protein change: p.Thr197Pro; replaces threonine 197 with proline.
Molecular consequence: missense variant.
Genome position (GRCh38, 1-based): chr7:139,955,508, A>C. VCF-style: chr7-139955508-A-C. GRCh37 (hg19) VCF-style: chr7-139655307-A-C.
Other names: c.592A>C (NM_001061.4); c.589A>C, p.Thr197Pro (NM_001130966.5, NM_030984.6); c.727A>C, p.Thr243Pro (NM_001166253.4); c.388A>C, p.Thr130Pro (NM_001166254.4); c.532A>C, p.Thr178Pro (NM_001314028.4); c.406A>C, p.Thr136Pro (NM_001366537.3); short protein forms T243P, T136P, T197P, T198P, T130P, T178P, T244P.
Identifiers: ClinVar variation 2061298 (VCV002061298.6), dbSNP rs1346327225, ClinGen allele CA369582079.